The following is an entry in ClinVar:

NM_001903.5(CTNNA1):c.975G>A (p.Thr325=)

Gene: CTNNA1 (catenin alpha 1; plus strand). Cytogenetic location: 5q31.2.
Variant type: single nucleotide variant.
Coding change: c.975G>A on transcript NM_001903.5 (MANE Select); coding-DNA position 975, G replaced by A.
Protein change: p.Thr325=; no amino-acid change (threonine 325 retained).
Molecular consequence: synonymous variant.
Genome position (GRCh38, 1-based): chr5:138,827,631, G>A. VCF-style: chr5-138827631-G-A. GRCh37 (hg19) VCF-style: chr5-138163320-G-A.
Other names: c.975G>A, p.Thr325= (NM_001323986.2, NM_001290307.3, NM_001323982.2 and 3 more transcripts); c.666G>A, p.Thr222= (NM_001290309.3); c.606G>A, p.Thr202= (NM_001290310.3).
Identifiers: ClinVar variation 1113396 (VCV001113396.12), dbSNP rs774892658, ClinGen allele CA3431599.

ClinVar aggregate classification (germline): Benign/Likely benign. Review status: criteria provided, multiple submitters, no conflicts (2 of 4 stars). 3 submissions from 3 submitters: Benign (1); Likely benign (2). Last evaluated 2025-04-16.

Conditions:
Hereditary cancer-predisposing syndrome. Also called: Hereditary neoplastic syndrome; Tumor predisposition; Neoplastic Syndromes, Hereditary; Hereditary Cancer Syndrome. Identifiers: Orphanet 140162, MedGen C0027672, MeSH D009386, MONDO:0015356.
Hereditary diffuse gastric adenocarcinoma (HDGC). Also called: DIFFUSE GASTRIC AND LOBULAR BREAST CANCER SYNDROME. Identifiers: Orphanet 26106, MedGen C1708349, MONDO:0007648, OMIM 137215.

Allele frequency attached by ClinVar (database versions not stated): gnomAD exomes below 0.00001; ExAC 0.00001.
gnomAD v4.1: 7 of 1,614,222 alleles (0.00043%); highest among the groups gnomAD compares: East Asian, 0.0045%; no homozygotes.

Submissions (3):

Labcorp Genetics (formerly Invitae), Labcorp
Classification: Likely benign. Last evaluated: 2025-04-16. Review status: criteria provided, single submitter. Criteria: Invitae Variant Classification Sherloc (09022015). Collection method: clinical testing. Allele origin: germline.

Myriad Genetics, Inc.
Classification: Benign for Hereditary diffuse gastric adenocarcinoma. Last evaluated: 2024-10-10. Review status: criteria provided, single submitter. Criteria: Myriad Autosomal Dominant, Autosomal Recessive and X-Linked Classification Criteria (2023). Collection method: clinical testing. Allele origin: unknown.
Comment: This variant is considered benign. This variant is a silent/synonymous amino acid change and it is not expected to impact splicing.

Ambry Genetics
Classification: Likely benign for Hereditary cancer-predisposing syndrome. Last evaluated: 2022-10-20. Review status: criteria provided, single submitter. Criteria: Ambry Variant Classification Scheme 2023. Collection method: clinical testing. Allele origin: germline.